The following is an entry in ClinVar:

ClinVar aggregate classification (germline): Benign/Likely benign. Review status: criteria provided, multiple submitters, no conflicts (2 of 4 stars). 10 submissions from 10 submitters: Benign (3); Likely benign (7). Last evaluated 2026-09-01.

Conditions:
Joubert syndrome 1 (JBTS1). Also called: CEREBELLOPARENCHYMAL DISORDER IV; Cerebellooculorenal syndrome 1. Identifiers: MedGen C4551568, MONDO:0008944, OMIM 213300.
Joubert syndrome 8 (JBTS8). Identifiers: Orphanet 475, MedGen C2676771, MONDO:0012855, OMIM 612291.

Allele frequency attached by ClinVar (database versions not stated): 1000 Genomes Project 0.00240; 1000 Genomes Project 30x 0.00250; TOPMed 0.00519; gnomAD 0.00529; ESP Exome Variant Server 0.00569; ExAC 0.00649; gnomAD exomes 0.00741.

Submissions (10):

CeGaT Center for Human Genetics Tuebingen
Classification: Likely benign. Last evaluated: 2026-09-01. Review status: criteria provided, single submitter. Criteria: CeGaT Center For Human Genetics Tuebingen Variant Classification Criteria Version 2. Collection method: clinical testing. Allele origin: germline. Affected: yes. Observed: 32 variant alleles.
Comment: ARL13B: BP4, BS2

Labcorp Genetics (formerly Invitae), Labcorp
Classification: Benign for Joubert syndrome 8. Last evaluated: 2026-02-04. Review status: criteria provided, single submitter. Criteria: Invitae Variant Classification Sherloc (09022015). Collection method: clinical testing. Allele origin: germline.

Genomic Medicine Center of Excellence, King Faisal Specialist Hospital and Research Centre
Classification: Likely benign. Last evaluated: 2025-08-18. Review status: criteria provided, single submitter. Criteria: ACMG Guidelines, 2015. Collection method: clinical testing. Allele origin: germline.

GeneDx
Classification: Benign. Last evaluated: 2019-06-14. Review status: criteria provided, single submitter. Criteria: GeneDx Variant Classification Process June 2021. Collection method: clinical testing. Allele origin: germline. Affected: yes.

Mendelics
Classification: Likely benign for Joubert syndrome 1. Last evaluated: 2019-05-28. Review status: criteria provided, single submitter. Criteria: Mendelics Assertion Criteria 2017. Collection method: clinical testing. Allele origin: unknown.

Center for Pediatric Genomic Medicine, Children's Mercy Hospital and Clinics
Classification: Likely benign. Last evaluated: 2017-07-19. Review status: criteria provided, single submitter. Criteria: ACMG Guidelines, 2015. Collection method: clinical testing. Allele origin: germline.

Genetic Services Laboratory, University of Chicago
Classification: Likely benign. Last evaluated: 2016-08-08. Review status: criteria provided, single submitter. Criteria: ACMG Guidelines, 2015. Collection method: clinical testing. Allele origin: germline. Affected: no.

Eurofins Ntd Llc (ga)
Classification: Likely benign. Last evaluated: 2014-07-29. Review status: criteria provided, single submitter. Criteria: EGL Classification Definitions 2015. Collection method: clinical testing. Allele origin: germline. Observed: 1 variant allele, 1 heterozygote.

Breakthrough Genomics
Classification: Likely benign. Review status: criteria provided, single submitter. Criteria: ACMG Guidelines, 2015. Collection method: not provided. Allele origin: germline. Inheritance: Autosomal recessive inheritance. Affected: yes.

PreventionGenetics, part of Exact Sciences
Classification: Benign. Review status: criteria provided, single submitter. Criteria: ACMG Guidelines, 2015. Collection method: clinical testing. Allele origin: germline.

NM_001174150.2(ARL13B):c.1186C>G (p.Pro396Ala)

Gene: ARL13B (ARF like GTPase 13B; plus strand). Cytogenetic location: 3q11.2.
Variant type: single nucleotide variant.
Coding change: c.1186C>G on transcript NM_001174150.2 (MANE Select); coding-DNA position 1186, C replaced by G.
Protein change: p.Pro396Ala; replaces proline 396 with alanine.
Molecular consequence: missense variant. On other transcripts: non-coding transcript variant (2).
Genome position (GRCh38, 1-based): chr3:94,050,868, C>G. VCF-style: chr3-94050868-C-G. GRCh37 (hg19) VCF-style: chr3-93769712-C-G.
Other names: c.877C>G, p.Pro293Ala (NM_001174151.2); c.1141C>G, p.Pro381Ala (NM_001321328.2); c.865C>G, p.Pro289Ala (NM_144996.4); c.1186C>G, p.Pro396Ala (NM_182896.3); short protein forms P396A, P381A, P289A, P293A.
Identifiers: ClinVar variation 199197 (VCV000199197.64), dbSNP rs11554412, ClinGen allele CA203795.